The following is an entry in ClinVar:

NM_017547.4(FOXRED1):c.1273C>T (p.His425Tyr)

Gene: FOXRED1 (FAD dependent oxidoreductase domain containing 1; plus strand). Cytogenetic location: 11q24.2.
Variant type: single nucleotide variant.
Coding change: c.1273C>T on transcript NM_017547.4 (MANE Select); coding-DNA position 1273, C replaced by T.
Protein change: p.His425Tyr; replaces histidine 425 with tyrosine.
Molecular consequence: missense variant. On other transcripts: non-coding transcript variant (3).
Genome position (GRCh38, 1-based): chr11:126,277,501, C>T. VCF-style: chr11-126277501-C-T. GRCh37 (hg19) VCF-style: chr11-126147396-C-T.
Other names: c.1303C>T, p.His435Tyr (NM_001425160.1); c.1273C>T, p.His425Tyr (NM_001425161.1); c.1270C>T, p.His424Tyr (NM_001425163.1, NM_001425164.1); c.1267C>T, p.His423Tyr (NM_001425165.1); c.1225C>T, p.His409Tyr (NM_001425166.1); c.1171C>T, p.His391Tyr (NM_001425167.1); c.763C>T, p.His255Tyr (NM_001425168.1, NM_001425169.1, NM_001425170.1); c.712C>T, p.His238Tyr (NM_001425171.1, NM_001425172.1); and 2 more; short protein forms H213Y, H214Y, H238Y, H255Y, H391Y, H409Y, H423Y, H424Y.
Identifiers: ClinVar variation 3366597 (VCV003366597.1).

ClinVar aggregate classification (germline): Uncertain significance (1 of 4 stars; one submission).

Submission:

Women's Health and Genetics/Laboratory Corporation of America, LabCorp
Classification: Uncertain significance. Last evaluated: 2024-08-26. Review status: criteria provided, single submitter. Criteria: LabCorp Variant Classification Summary - May 2015. Collection method: clinical testing. Allele origin: germline.
Comment: Variant summary: FOXRED1 c.1273C>T (p.His425Tyr) results in a conservative amino acid change located in the FAD dependent oxidoreductase domain (IPR006076) of the encoded protein sequence. Four of five in-silico tools predict a damaging effect of the variant on protein function. The variant was absent in 250672 control chromosomes. The available data on variant occurrences in the general population are insufficient to allow any conclusion about variant significance. c.1273C>T has been reported in the literature in at least one compound heterozygous individual affected with congenital lactic acidosis (e.g., Bravo-Alonso_2019). These data do not allow any conclusion about variant significance. To our knowledge, no experimental evidence demonstrating an impact on protein function has been reported. The following publication has been ascertained in the context of this evaluation (PMID: 31683770). No submitters have cited clinical-significance assessments for this variant to ClinVar. Based on the evidence outlined above, the variant was classified as uncertain significance.

Literature cited by the submitters: PubMed 31683770.